The following is an entry in ClinVar:

ClinVar aggregate classification (germline): Pathogenic (1 of 4 stars; one submission).

Conditions:
Primary ciliary dyskinesia 3. Identifiers: Orphanet 244, MedGen C1837618, MONDO:0012085, OMIM 608644.

Submission:

Myriad Genetics, Inc.
Classification: Pathogenic for Primary ciliary dyskinesia 3. Last evaluated: 2024-05-14. Review status: criteria provided, single submitter. Criteria: Myriad Autosomal Dominant, Autosomal Recessive and X-Linked Classification Criteria (2023). Collection method: clinical testing. Allele origin: unknown.
Comment: NM_001369.2(DNAH5):c.8027_8029delTGCinsA(V2676Efs*11) is expected to be pathogenic in the context of primary ciliary dyskinesia, DNAH5-related. This variant is predicted to lead to an abnormal or absent protein product due to the creation of a premature termination codon in DNAH5, a gene where loss-of-function variants are known to be pathogenic. Please note: this variant was assessed in the context of healthy population screening.

NM_001369.3(DNAH5):c.8027_8029delinsA (p.Val2676fs)

Gene: DNAH5 (dynein axonemal heavy chain 5; minus strand). Cytogenetic location: 5p15.2.
Variant type: Indel.
Coding change: c.8027_8029delinsA on transcript NM_001369.3 (MANE Select); coding-DNA positions 8027 to 8029, TGC replaced by A.
Protein change: p.Val2676fs; shifts the reading frame from valine 2676.
Molecular consequence: frameshift variant.
Genome position (GRCh38, 1-based): chr5:13,793,710-13,793,712, GCA replaced by T on the plus strand (TGC replaced by A on the coding strand, the reverse complement: DNAH5 is on the minus strand). VCF-style: chr5-13793710-GCA-T. GRCh37 (hg19) VCF-style: chr5-13793819-GCA-T.
Other names: short protein forms V2676fs.
Identifiers: ClinVar variation 5010699 (VCV005010699.1).